The following is an entry in ClinVar:

ClinVar aggregate classification (germline): Conflicting classifications of pathogenicity. Review status: criteria provided, conflicting classifications (1 of 4 stars). 2 submissions from 2 submitters: Uncertain significance (1); Likely benign (1). Last evaluated 2023-11-05.

Conditions:
Primary ciliary dyskinesia. Also called: Ciliary dyskinesia. Identifiers: Orphanet 244, MedGen C0008780, MONDO:0016575, HP:0012265.

Allele frequency attached by ClinVar (database versions not stated): gnomAD 0.00001; TOPMed 0.00001; gnomAD exomes 0.00003; ExAC 0.00004.
gnomAD v4.1: 44 of 1,614,052 alleles (0.0027%); highest among the groups gnomAD compares: Non-Finnish European, 0.0036%; no homozygotes.

Submissions (2):

Labcorp Genetics (formerly Invitae), Labcorp
Classification: Likely benign for Primary ciliary dyskinesia. Last evaluated: 2023-11-05. Review status: criteria provided, single submitter. Criteria: Invitae Variant Classification Sherloc (09022015). Collection method: clinical testing. Allele origin: germline.

Ambry Genetics
Classification: Uncertain significance for Primary ciliary dyskinesia. Last evaluated: 2021-10-29. Review status: criteria provided, single submitter. Criteria: Ambry Variant Classification Scheme 2023. Collection method: clinical testing. Allele origin: germline.
Comment: The p.Q4325H variant (also known as c.12975G>C), located in coding exon 75 of the DNAH5 gene, results from a G to C substitution at nucleotide position 12975. The glutamine at codon 4325 is replaced by histidine, an amino acid with highly similar properties. This amino acid position is conserved. In addition, this alteration is predicted to be tolerated by in silico analysis. Since supporting evidence is limited at this time, the clinical significance of this alteration remains unclear.

NM_001369.3(DNAH5):c.12975G>C (p.Gln4325His)

Gene: DNAH5 (dynein axonemal heavy chain 5; minus strand). Cytogenetic location: 5p15.2.
Variant type: single nucleotide variant.
Coding change: c.12975G>C on transcript NM_001369.3 (MANE Select); coding-DNA position 12975, G replaced by C.
Protein change: p.Gln4325His; replaces glutamine 4325 with histidine.
Molecular consequence: missense variant.
Genome position (GRCh38, 1-based): chr5:13,714,555, C>G on the plus strand (G>C on the coding strand, the complement: DNAH5 is on the minus strand). VCF-style: chr5-13714555-C-G. GRCh37 (hg19) VCF-style: chr5-13714664-C-G.
Other names: short protein forms Q4325H.
Identifiers: ClinVar variation 1769236 (VCV001769236.5), dbSNP rs780181944, ClinGen allele CA3201483.
Genomic context (GRCh38, chr5:13,714,555, plus strand): 5'-AGAGGTGTCCTTGGGTTGGATGCCTAGGATGGTGTCCAGCACGTCCTTGGCCAGCTTGCT[C>G]TGGTAGGTGATGTCAGCATTGGGGTGCAGCCCAAACACCTCAGGGCTGTCATAGGCAGGC-3'
Protein context (NP_001360.1, residues 4315-4335): GLHPNADITY[Gln4325His]SKLAKDVLDT